The following is an entry in ClinVar:

ClinVar aggregate classification (germline): Likely benign. Review status: criteria provided, multiple submitters, no conflicts (2 of 4 stars). 3 submissions from 3 submitters: Likely benign (3). Last evaluated 2025-12-23.

Conditions:
Cardiovascular phenotype. Identifiers: MedGen CN230736.
Hereditary cancer-predisposing syndrome. Also called: Tumor predisposition; Hereditary Cancer Syndrome; Neoplastic Syndromes, Hereditary; Hereditary neoplastic syndrome. Identifiers: Orphanet 140162, MedGen C0027672, MeSH D009386, MONDO:0015356.
Neurofibromatosis, type 1 (NF1). Also called: VON RECKLINGHAUSEN DISEASE; Neurofibromatosis, type I; NEUROFIBROMATOSIS, TYPE I, SOMATIC; Peripheral type neurofibromatosis. Identifiers: Orphanet 636, MedGen C0027831, MONDO:0018975, OMIM 162200. Disease mechanism: loss of function.

Submissions (3):

Women's Health and Genetics/Laboratory Corporation of America, LabCorp
Classification: Likely benign. Last evaluated: 2025-12-23. Review status: criteria provided, single submitter. Criteria: LabCorp Variant Classification Summary - May 2015. Collection method: clinical testing. Allele origin: germline.
Comment: Variant summary: NF1 c.8316A>G (p.Gly2772Gly) alters a non-conserved nucleotide located close to a canonical splice site and therefore could affect mRNA splicing, leading to a significantly altered protein sequence. Consensus agreement among computation tools predict no significant impact on normal splicing. However, these predictions have yet to be confirmed by functional studies. The variant was absent in 251304 control chromosomes (gnomAD). The available data on variant occurrences in the general population are insufficient to allow any conclusion about variant significance. To our knowledge, no occurrence of c.8316A>G in individuals affected with NF1-related conditions and no experimental evidence demonstrating its impact on protein function have been reported. ClinVar contains an entry for this variant (Variation ID: 765239). Based on the evidence outlined above, the variant was classified as likely benign.

Labcorp Genetics (formerly Invitae), Labcorp
Classification: Likely benign for Neurofibromatosis, type 1. Last evaluated: 2025-06-10. Review status: criteria provided, single submitter. Criteria: Invitae Variant Classification Sherloc (09022015). Collection method: clinical testing. Allele origin: germline.

Ambry Genetics
Classification: Likely benign for Cardiovascular phenotype; Hereditary cancer-predisposing syndrome. Last evaluated: 2024-03-14. Review status: criteria provided, single submitter. Criteria: Ambry Variant Classification Scheme 2023. Collection method: clinical testing. Allele origin: germline.

NM_001042492.3(NF1):c.8379A>G (p.Gly2793=)

Gene: NF1 (neurofibromin 1; plus strand). Cytogenetic location: 17q11.2.
Variant type: single nucleotide variant.
Coding change: c.8379A>G on transcript NM_001042492.3 (MANE Select); coding-DNA position 8379, A replaced by G.
Protein change: p.Gly2793=; no amino-acid change (glycine 2793 retained).
Molecular consequence: synonymous variant.
Genome position (GRCh38, 1-based): chr17:31,374,014, A>G. VCF-style: chr17-31374014-A-G. GRCh37 (hg19) VCF-style: chr17-29701032-A-G.
Other names: c.8316A>G, p.Gly2772= (NM_000267.4).
Identifiers: ClinVar variation 765239 (VCV000765239.11), dbSNP rs1597882952, ClinGen allele CA499353660.